The following is an entry in ClinVar:

ClinVar aggregate classification (germline): Uncertain significance (1 of 4 stars; one submission).

gnomAD v4.1: 12 of 1,614,178 alleles (0.00074%); highest among the groups gnomAD compares: Non-Finnish European, 0.001%; no homozygotes.

Submission:

GeneDx
Classification: Uncertain significance. Last evaluated: 2024-05-20. Review status: criteria provided, single submitter. Criteria: GeneDx Variant Classification Process June 2021. Collection method: clinical testing. Allele origin: germline. Affected: yes.
Comment: Not observed at significant frequency in large population cohorts (gnomAD); In silico analysis indicates that this missense variant does not alter protein structure/function; Has not been previously published as pathogenic or benign to our knowledge

NM_005548.3(KARS1):c.1606G>T (p.Ala536Ser)

Gene: KARS1 (lysyl-tRNA synthetase 1; minus strand). Cytogenetic location: 16q23.1.
Variant type: single nucleotide variant.
Coding change: c.1606G>T on transcript NM_005548.3 (MANE Select); coding-DNA position 1606, G replaced by T.
Protein change: p.Ala536Ser; replaces alanine 536 with serine.
Molecular consequence: missense variant.
Genome position (GRCh38, 1-based): chr16:75,628,658, C>A on the plus strand (G>T on the coding strand, the complement: KARS1 is on the minus strand). VCF-style: chr16-75628658-C-A. GRCh37 (hg19) VCF-style: chr16-75662556-C-A.
Other names: c.1690G>T, p.Ala564Ser (NM_001130089.2); c.1138G>T, p.Ala380Ser (NM_001378148.1); short protein forms A380S, A536S, A564S.
Identifiers: ClinVar variation 3381674 (VCV003381674.1).
Genomic context (GRCh38, chr16:75,628,658, plus strand): 5'-TGGCGACTCGATCAATGCCCATGCCCCAGCCAGCTGTGGGGGGCAGCCCATATTCCAGGG[C>A]AGTACAGAAGTTTTCATCTATGAACATGGCCTCATCATCACCTGCAGCCTTGGCCTAGAA-3'
Protein context (NP_005539.1, residues 526-546): AMFIDENFCT[Ala536Ser]LEYGLPPTAG